The following is an entry in ClinVar:

ClinVar aggregate classification (germline): Pathogenic (1 of 4 stars; one submission).

Conditions:
Primary ciliary dyskinesia. Also called: Ciliary dyskinesia. Identifiers: Orphanet 244, MedGen C0008780, MONDO:0016575, HP:0012265.

Submission:

Labcorp Genetics (formerly Invitae), Labcorp
Classification: Pathogenic for Primary ciliary dyskinesia. Last evaluated: 2023-01-17. Review status: criteria provided, single submitter. Criteria: Invitae Variant Classification Sherloc (09022015). Collection method: clinical testing. Allele origin: germline.
Comment: For these reasons, this variant has been classified as Pathogenic. This variant has not been reported in the literature in individuals affected with DNAH11-related conditions. This variant is not present in population databases (gnomAD no frequency). This sequence change creates a premature translational stop signal (p.Ala3134Phefs*8) in the DNAH11 gene. It is expected to result in an absent or disrupted protein product. Loss-of-function variants in DNAH11 are known to be pathogenic (PMID: 18022865, 20513915, 22184204).

Literature cited by the submitters: PubMed 18022865; PubMed 20513915; PubMed 22184204.

NM_001277115.2(DNAH11):c.9337-12_9398dup

Gene: DNAH11 (dynein axonemal heavy chain 11; plus strand). Cytogenetic location: 7p15.3.
Variant type: Duplication.
Coding change: c.9337-12_9398dup on transcript NM_001277115.2 (MANE Select); 12 bases into the intron before coding-DNA position 9337 through coding-DNA position 9398, 74 bases duplicated.
Molecular consequence: splice acceptor variant.
Genome position (GRCh38, 1-based): chr7:21,778,946-21,779,019, 74 bases duplicated. GRCh37 (hg19): chr7:21,818,564-21,818,637.
Identifiers: ClinVar variation 2829731 (VCV002829731.3), dbSNP rs2535234176, ClinGen allele CA2739266278.